The following is an entry in ClinVar:

ClinVar aggregate classification (germline): Uncertain significance (1 of 4 stars; one submission).

Conditions:
Inborn genetic diseases. Identifiers: MedGen C0950123, MeSH D030342.

Submission:

Ambry Genetics
Classification: Uncertain significance for Inborn genetic diseases. Last evaluated: 2024-08-16. Review status: criteria provided, single submitter. Criteria: Ambry Variant Classification Scheme 2023. Collection method: clinical testing. Allele origin: germline.
Comment: The p.L1212P variant (also known as c.3635T>C), located in coding exon 19 of the ATR gene, results from a T to C substitution at nucleotide position 3635. The leucine at codon 1212 is replaced by proline, an amino acid with similar properties. This amino acid position is conserved. In addition, this alteration is predicted to be deleterious by in silico analysis. Based on the available evidence, the clinical significance of this variant remains unclear.

NM_001184.4(ATR):c.3635T>C (p.Leu1212Pro)

Gene: ATR (ATR serine/threonine kinase; minus strand). Cytogenetic location: 3q23.
Variant type: single nucleotide variant.
Coding change: c.3635T>C on transcript NM_001184.4 (MANE Select); coding-DNA position 3635, T replaced by C.
Protein change: p.Leu1212Pro; replaces leucine 1212 with proline.
Molecular consequence: missense variant.
Genome position (GRCh38, 1-based): chr3:142,538,572, A>G on the plus strand (T>C on the coding strand, the complement: ATR is on the minus strand). VCF-style: chr3-142538572-A-G. GRCh37 (hg19) VCF-style: chr3-142257414-A-G.
Other names: c.3443T>C, p.Leu1148Pro (NM_001354579.2); short protein forms L1148P, L1212P.
Identifiers: ClinVar variation 3462532 (VCV003462532.1).